The following is an entry in ClinVar:

NM_001025603.2(RFX5):c.1648C>G (p.His550Asp)

Gene: RFX5 (regulatory factor X5; minus strand). Cytogenetic location: 1q21.3.
Variant type: single nucleotide variant.
Coding change: c.1648C>G on transcript NM_001025603.2 (MANE Select); coding-DNA position 1648, C replaced by G.
Protein change: p.His550Asp; replaces histidine 550 with aspartic acid.
Molecular consequence: missense variant.
Genome position (GRCh38, 1-based): chr1:151,342,389, G>C on the plus strand (C>G on the coding strand, the complement: RFX5 is on the minus strand). VCF-style: chr1-151342389-G-C. GRCh37 (hg19) VCF-style: chr1-151314865-G-C.
Other names: c.1648C>G, p.His550Asp (NM_000449.4, NM_001379412.1, NM_001379413.1 and 5 more transcripts); c.1528C>G, p.His510Asp (NM_001379419.1, NM_001379420.1); short protein forms H550D, H510D.
Identifiers: ClinVar variation 1359964 (VCV001359964.7), dbSNP rs1386973231, ClinGen allele CA341924508.

ClinVar aggregate classification (germline): Uncertain significance (1 of 4 stars; one submission).

Conditions:
MHC class II deficiency. Also called: Bare lymphocyte syndrome 2; BLS, TYPE II. Identifiers: Orphanet 572, MedGen C5447452, MONDO:0008855.

Submission:

Labcorp Genetics (formerly Invitae), Labcorp
Classification: Uncertain significance for MHC class II deficiency. Last evaluated: 2021-06-16. Review status: criteria provided, single submitter. Criteria: Invitae Variant Classification Sherloc (09022015). Collection method: clinical testing. Allele origin: germline.
Comment: In summary, the available evidence is currently insufficient to determine the role of this variant in disease. Therefore, it has been classified as a Variant of Uncertain Significance. Algorithms developed to predict the effect of missense changes on protein structure and function (SIFT, PolyPhen-2, Align-GVGD) all suggest that this variant is likely to be tolerated, but these predictions have not been confirmed by published functional studies and their clinical significance is uncertain. This variant has not been reported in the literature in individuals with RFX5-related conditions. This variant is not present in population databases (ExAC no frequency). This sequence change replaces histidine with aspartic acid at codon 550 of the RFX5 protein (p.His550Asp). The histidine residue is weakly conserved and there is a moderate physicochemical difference between histidine and aspartic acid.